The following is an entry in ClinVar:

NM_006231.4(POLE):c.2727G>A (p.Gln909=)

Gene: POLE (DNA polymerase epsilon, catalytic subunit; minus strand). Cytogenetic location: 12q24.33.
Variant type: single nucleotide variant.
Coding change: c.2727G>A on transcript NM_006231.4 (MANE Select); coding-DNA position 2727, G replaced by A.
Protein change: p.Gln909=; no amino-acid change (glutamine 909 retained).
Molecular consequence: synonymous variant.
Genome position (GRCh38, 1-based): chr12:132,661,664, C>T on the plus strand (G>A on the coding strand, the complement: POLE is on the minus strand). VCF-style: chr12-132661664-C-T. GRCh37 (hg19) VCF-style: chr12-133238250-C-T.
Identifiers: ClinVar variation 473552 (VCV000473552.20), dbSNP rs1555226055, ClinGen allele CA482735682.
Genomic context (GRCh38, chr12:132,661,664, plus strand): 5'-GATGCTGTTCTCTGAGCGGGTGACGTAGGTGAGTGAGGACGGCTCAGCCAGCTCCTGGTA[C>T]TGGTCATTGGTGAAGCCTTCCTGAGAAACAAGAGTGAAGAGGGGGCAGCTTCACTCATGA-3'
Protein context (NP_006222.2, residues 899-919): IMVKEGFTND[Gln909=]YQELAEPSSL

ClinVar aggregate classification (germline): Conflicting classifications of pathogenicity. Review status: criteria provided, conflicting classifications (1 of 4 stars). 4 submissions from 4 submitters: Uncertain significance (1); Likely benign (2). 1 of the submissions does not count toward it. Last evaluated 2025-07-31.

Conditions:
POLE-related disorder. Also called: POLE-related disorders; POLE-related condition.
Hereditary cancer-predisposing syndrome. Also called: Neoplastic Syndromes, Hereditary; Tumor predisposition; Hereditary Cancer Syndrome; Hereditary neoplastic syndrome. Identifiers: Orphanet 140162, MedGen C0027672, MeSH D009386, MONDO:0015356.

Allele frequency attached by ClinVar (database versions not stated): TOPMed 0.00001.
gnomAD v4.1: 2 of 1,614,134 alleles (0.00012%); highest among the groups gnomAD compares: Non-Finnish European, 0.000085%; no homozygotes.

Submissions (4):

Labcorp Genetics (formerly Invitae), Labcorp
Classification: Likely benign. Last evaluated: 2025-07-31. Review status: criteria provided, single submitter. Criteria: Invitae Variant Classification Sherloc (09022015). Collection method: clinical testing. Allele origin: germline.

GeneDx
Classification: Uncertain significance. Last evaluated: 2019-10-29. Review status: criteria provided, single submitter. Criteria: GeneDx Variant Classification Process June 2021. Collection method: clinical testing. Allele origin: germline. Affected: yes.
Comment: Has not been previously published as pathogenic or benign to our knowledge; In silico analysis, which includes protein predictors and evolutionary conservation, supports that this variant does not alter protein structure/function; Not observed in large population cohorts (Lek 2016)

Ambry Genetics
Classification: Likely benign for Hereditary cancer-predisposing syndrome. Last evaluated: 2015-09-14. Review status: criteria provided, single submitter. Criteria: Ambry Variant Classification Scheme 2023. Collection method: clinical testing. Allele origin: germline.

PreventionGenetics, part of Exact Sciences
Classification: Likely benign for POLE-related condition. Last evaluated: 2024-02-23. Review status: no assertion criteria provided. Collection method: clinical testing. Allele origin: germline. Not counted in ClinVar's aggregate classification.
Comment: This variant is classified as likely benign based on ACMG/AMP sequence variant interpretation guidelines (Richards et al. 2015 PMID: 25741868, with internal and published modifications).